The following is an entry in ClinVar:

ClinVar aggregate classification (germline): Uncertain significance. Review status: criteria provided, multiple submitters, no conflicts (2 of 4 stars). 5 submissions from 5 submitters: Uncertain significance (5). Last evaluated 2026-09-03.

Conditions:
Bardet-Biedl syndrome 9 (BBS9). Identifiers: Orphanet 110, MedGen C1859567, MONDO:0014437, OMIM 615986.
BBS9-related disorder. Also called: BBS9-related condition.
Bardet-Biedl syndrome (BBS). Identifiers: Orphanet 110, MedGen C0752166, MONDO:0015229.

Allele frequency attached by ClinVar (database versions not stated): ExAC 0.00001; gnomAD exomes 0.00001; TOPMed 0.00003.
gnomAD v4.1: 14 of 1,614,112 alleles (0.00087%); highest among the groups gnomAD compares: East Asian, 0.0089%; no homozygotes.

Submissions (5):

PreventionGenetics, part of Exact Sciences
Classification: Uncertain significance for BBS9-related condition. Last evaluated: 2026-09-03. Review status: criteria provided, single submitter. Criteria: ACMG Guidelines, 2015. Collection method: clinical testing. Allele origin: germline.
Comment: The BBS9 c.2032C>T variant is predicted to result in the amino acid substitution p.Arg678Cys. To our knowledge this variant has not been reported in the literature in individuals with BBS9-related conditions. This variant is reported in 0.0058% of alleles in individuals of Latino descent in gnomAD. At this time, the clinical significance of this variant is uncertain due to the absence of conclusive functional and genetic evidence.

Labcorp Genetics (formerly Invitae), Labcorp
Classification: Uncertain significance for Bardet-Biedl syndrome. Last evaluated: 2022-03-09. Review status: criteria provided, single submitter. Criteria: Invitae Variant Classification Sherloc (09022015). Collection method: clinical testing. Allele origin: germline.
Comment: This sequence change replaces arginine, which is basic and polar, with cysteine, which is neutral and slightly polar, at codon 678 of the BBS9 protein (p.Arg678Cys). This variant is present in population databases (rs746543061, gnomAD 0.006%). This variant has not been reported in the literature in individuals affected with BBS9-related conditions. ClinVar contains an entry for this variant (Variation ID: 910979). Algorithms developed to predict the effect of missense changes on protein structure and function are either unavailable or do not agree on the potential impact of this missense change (SIFT: "Deleterious"; PolyPhen-2: "Benign"; Align-GVGD: "Class C0"). In summary, the available evidence is currently insufficient to determine the role of this variant in disease. Therefore, it has been classified as a Variant of Uncertain Significance.

Blueprint Genetics
Classification: Uncertain significance. Last evaluated: 2022-01-14. Review status: criteria provided, single submitter. Criteria: ACMG Guidelines, 2015. Collection method: clinical testing. Allele origin: germline.

Fulgent Genetics
Classification: Uncertain significance for Bardet-Biedl syndrome 9. Last evaluated: 2021-10-29. Review status: criteria provided, single submitter. Criteria: ACMG Guidelines, 2015. Collection method: clinical testing. Allele origin: unknown.

Illumina Laboratory Services, Illumina
Classification: Uncertain significance for Bardet-Biedl syndrome 9. Last evaluated: 2018-01-13. Review status: criteria provided, single submitter. Criteria: ICSL Variant Classification Criteria 13 December 2019. Collection method: clinical testing. Allele origin: germline.

NM_198428.3(BBS9):c.2032C>T (p.Arg678Cys)

Gene: BBS9 (Bardet-Biedl syndrome 9; plus strand). Cytogenetic location: 7p14.3.
Variant type: single nucleotide variant.
Coding change: c.2032C>T on transcript NM_198428.3 (MANE Select); coding-DNA position 2032, C replaced by T.
Protein change: p.Arg678Cys; replaces arginine 678 with cysteine.
Molecular consequence: missense variant. On other transcripts: non-coding transcript variant (3).
Genome position (GRCh38, 1-based): chr7:33,388,061, C>T. VCF-style: chr7-33388061-C-T. GRCh37 (hg19) VCF-style: chr7-33427673-C-T.
Other names: c.1927C>T, p.Arg643Cys (NM_001033604.2); c.2017C>T, p.Arg673Cys (NM_001033605.2); c.2032C>T, p.Arg678Cys (NM_001348036.1, NM_001348041.4, NM_001348043.3 and 1 more transcripts); c.1666C>T, p.Arg556Cys (NM_001348037.3, NM_001348045.3, NM_001348046.3); c.1759C>T, p.Arg587Cys (NM_001348038.3); c.1654C>T, p.Arg552Cys (NM_001348039.3); c.1912C>T, p.Arg638Cys (NM_001348040.3, NM_014451.4); c.1897C>T, p.Arg633Cys (NM_001348042.3); and 1 more; short protein forms R643C, R673C, R638C, R521C, R633C, R678C, R552C, R556C.
Identifiers: ClinVar variation 910979 (VCV000910979.8), dbSNP rs746543061, ClinGen allele CA4214579.